The following is an entry in ClinVar:

NC_000021.8:g.(?_47699887)_(47700509_?)del

Gene: MCM3AP (minichromosome maintenance complex component 3 associated protein; minus strand). Cytogenetic location: 21q22.3.
Variant type: Deletion.
Identifiers: ClinVar variation 3248184 (VCV003248184.1).

ClinVar aggregate classification (germline): Pathogenic (1 of 4 stars; one submission).

Submission:

Labcorp Genetics (formerly Invitae), Labcorp
Classification: Pathogenic. Last evaluated: 2023-03-10. Review status: criteria provided, single submitter. Criteria: Invitae Variant Classification Sherloc (09022015). Collection method: clinical testing. Allele origin: unknown.
Comment: For these reasons, this variant has been classified as Pathogenic. This variant has not been reported in the literature in individuals affected with MCM3AP-related conditions. This variant is a gross deletion of the genomic region encompassing exon(s) 3-4 of the MCM3AP gene. This deletion is out-of-frame, and is expected to create a premature termination codon and result in an absent or disrupted protein product. Loss-of-function variants in MCM3AP are known to be pathogenic (PMID: 28633435).

Literature cited by the submitters: PubMed 28633435.